The following is an entry in ClinVar:

ClinVar aggregate classification (germline): Uncertain significance. Review status: criteria provided, multiple submitters, no conflicts (2 of 4 stars). 3 submissions from 3 submitters: Uncertain significance (3). Last evaluated 2026-10-01.

Conditions:
Polyps, multiple and recurrent inflammatory fibroid, gastrointestinal. Identifiers: MedGen C5193005, MONDO:0008285, OMIM 175510.
Hereditary cancer-predisposing syndrome. Also called: Neoplastic Syndromes, Hereditary; Hereditary neoplastic syndrome; Tumor predisposition; Hereditary Cancer Syndrome. Identifiers: Orphanet 140162, MedGen C0027672, MeSH D009386, MONDO:0015356.
Gastrointestinal stromal tumor. Also called: Gastrointestinal stromal tumor, somatic; Gastrointestinal stroma tumor. Identifiers: Orphanet 44890, MedGen C0238198, MeSH D046152, MONDO:0011719, OMIM 606764, HP:0100723.

Submissions (3):

St. Jude Molecular Pathology, St. Jude Children's Research Hospital
Classification: Uncertain significance for Polyps, multiple and recurrent inflammatory fibroid, gastrointestinal. Last evaluated: 2026-10-01. Review status: criteria provided, single submitter. Criteria: St. Jude Assertion Criteria 2020. Collection method: clinical testing. Allele origin: germline.
Comment: The PDGFRA c.2318T>C p.(Met773Thr) missense change is absent in gnom AD v2.1.1. The in silico tool REVEL predicts a benign effect on protein function, but to our knowledge this prediction has not been confirmed by functional studies. To our knowledge, this variant has not been reported in individuals with PDGFRA-related conditions. In summary, the evidence currently available is insufficient to determine the clinical significance of this variant. It has therefore been classified as of uncertain significance.

Labcorp Genetics (formerly Invitae), Labcorp
Classification: Uncertain significance for Gastrointestinal stromal tumor. Last evaluated: 2025-09-02. Review status: criteria provided, single submitter. Criteria: Invitae Variant Classification Sherloc (09022015). Collection method: clinical testing. Allele origin: germline.
Comment: This sequence change replaces methionine, which is neutral and non-polar, with threonine, which is neutral and polar, at codon 773 of the PDGFRA protein (p.Met773Thr). This variant is not present in population databases (gnomAD no frequency). This variant has not been reported in the literature in individuals affected with PDGFRA-related conditions. ClinVar contains an entry for this variant (Variation ID: 2065196). Invitae Evidence Modeling of protein sequence and biophysical properties (such as structural, functional, and spatial information, amino acid conservation, physicochemical variation, residue mobility, and thermodynamic stability) indicates that this missense variant is not expected to disrupt PDGFRA protein function with a negative predictive value of 80%. In summary, the available evidence is currently insufficient to determine the role of this variant in disease. Therefore, it has been classified as a Variant of Uncertain Significance.

Ambry Genetics
Classification: Uncertain significance for Hereditary cancer-predisposing syndrome. Last evaluated: 2024-10-11. Review status: criteria provided, single submitter. Criteria: Ambry Variant Classification Scheme 2023. Collection method: clinical testing. Allele origin: germline.
Comment: The p.M773T variant (also known as c.2318T>C), located in coding exon 15 of the PDGFRA gene, results from a T to C substitution at nucleotide position 2318. The methionine at codon 773 is replaced by threonine, an amino acid with similar properties. This amino acid position is conserved. In addition, this alteration is predicted to be tolerated by in silico analysis. Based on the available evidence, the clinical significance of this variant remains unclear.

NM_006206.6(PDGFRA):c.2318T>C (p.Met773Thr)

Gene: PDGFRA (platelet derived growth factor receptor alpha; plus strand). Cytogenetic location: 4q12.
Variant type: single nucleotide variant.
Coding change: c.2318T>C on transcript NM_006206.6 (MANE Select); coding-DNA position 2318, T replaced by C.
Protein change: p.Met773Thr; replaces methionine 773 with threonine.
Molecular consequence: missense variant.
Genome position (GRCh38, 1-based): chr4:54,280,477, T>C. VCF-style: chr4-54280477-T-C. GRCh37 (hg19) VCF-style: chr4-55146644-T-C.
Other names: c.2318T>C, p.Met773Thr (NM_001347827.2, NM_001347829.2); c.2393T>C, p.Met798Thr (NM_001347828.2); c.2357T>C, p.Met786Thr (NM_001347830.2); short protein forms M773T, M798T, M786T.
Identifiers: ClinVar variation 2065196 (VCV002065196.6), dbSNP rs2110325233, ClinGen allele CA356894548.